The following is an entry in ClinVar:

GRCh37/hg19 1p32.3(chr1:50966897-51403595)x1

Gene: FAF1 (Fas associated factor 1; minus strand). Cytogenetic location: 1p32.3.
Variant type: copy number loss.
Change: copy number 1 (one copy instead of two) of chr1:50,966,897-51,403,595 (436.7 kb, GRCh37 coordinates, 1-based), cytogenetic band 1p32.3.
Identifiers: ClinVar variation 638117 (VCV000638117.2).

ClinVar aggregate classification (germline): Uncertain significance (1 of 4 stars; one submission).

Submission:

Clinical Genomics Laboratory, Laboratory for Precision Diagnostics, University of Washington
Classification: Uncertain significance. Last evaluated: 2018-10-08. Review status: criteria provided, single submitter. Criteria: Clinical Cytogenomics Laboratory Policy on CNV Interpretation. Collection method: clinical testing. Allele origin: unknown. Affected: yes. Observed: 1 variant allele.

Literature cited by the submitters: PubMed 28630100.